The following is an entry in ClinVar:

ClinVar aggregate classification (germline): Pathogenic (1 of 4 stars; one submission).

Conditions:
RASopathy. Also called: rasopathies; Noonan spectrum disorder. Identifiers: Orphanet 536391, MedGen C5555857, MONDO:0021060.

Submission:

Labcorp Genetics (formerly Invitae), Labcorp
Classification: Pathogenic for RASopathy. Last evaluated: 2025-10-23. Review status: criteria provided, single submitter. Criteria: Invitae Variant Classification Sherloc (09022015). Collection method: clinical testing. Allele origin: germline.
Comment: This sequence change creates a premature translational stop signal (p.Ile449Alafs*24) in the PTPN11 gene. It is expected to result in an absent or disrupted protein product. Loss-of-function variants in PTPN11 are known to be pathogenic (PMID: 20577567, 21533187). This variant is not present in population databases (gnomAD no frequency). This variant has not been reported in the literature in individuals affected with PTPN11-related conditions. For these reasons, this variant has been classified as Pathogenic.

Literature cited by the submitters: PubMed 20577567; PubMed 21533187.

NM_002834.5(PTPN11):c.1343_1344dup (p.Ile449fs)

Gene: PTPN11 (protein tyrosine phosphatase non-receptor type 11; plus strand). Cytogenetic location: 12q24.13.
Variant type: Duplication.
Coding change: c.1343_1344dup on transcript NM_002834.5 (MANE Select); coding-DNA positions 1343 to 1344, 2 bases duplicated (GC; older notation c.1343_1344dupGC).
Protein change: p.Ile449fs; shifts the reading frame from isoleucine 449.
Molecular consequence: frameshift variant.
Genome position (GRCh38, 1-based): chr12:112,486,593-112,486,594, GC duplicated. VCF-style (leftmost placement, unchanged base first): chr12-112486592-A-AGC. GRCh37 (hg19) VCF-style: chr12-112924396-A-AGC.
Other names: c.1355_1356dup, p.Ile453fs (NM_001330437.2); c.1340_1341dup, p.Ile448fs (NM_001374625.1); c.1343_1344dup, p.Ile449fs (NM_080601.3); short protein forms I453fs, I448fs, I449fs.
Identifiers: ClinVar variation 4729721 (VCV004729721.1).